The following is an entry in ClinVar:

ClinVar aggregate classification (germline): Uncertain significance. Review status: criteria provided, multiple submitters, no conflicts (2 of 4 stars). 2 submissions from 2 submitters: Uncertain significance (2). Last evaluated 2024-05-06.

Conditions:
Autosomal recessive nonsyndromic hearing loss 61. Identifiers: Orphanet 90636, MedGen C3151230, MONDO:0013471, OMIM 613865.
Inborn genetic diseases. Identifiers: MedGen C0950123, MeSH D030342.

Allele frequency attached by ClinVar (database versions not stated): gnomAD 0.00003; ExAC 0.00012; 1000 Genomes Project 0.00020; 1000 Genomes Project 30x 0.00031.
gnomAD v4.1: 68 of 1,613,846 alleles (0.0042%); highest among the groups gnomAD compares: South Asian, 0.065%; 1 homozygote.

Submissions (2):

Ambry Genetics
Classification: Uncertain significance for Inborn genetic diseases. Last evaluated: 2024-05-06. Review status: criteria provided, single submitter. Criteria: Ambry Variant Classification Scheme 2023. Collection method: clinical testing. Allele origin: germline.

Neuberg Centre For Genomic Medicine, NCGM
Classification: Uncertain significance for Autosomal recessive nonsyndromic hearing loss 61. Review status: criteria provided, single submitter. Criteria: ACMG Guidelines, 2015. Collection method: clinical testing. Allele origin: germline. Inheritance: Autosomal recessive inheritance. Affected: yes.
Comment: The observed missense c.1539G>T(p.Lys513Asn) variant in SLC26A5 gene has not been reported previously as a pathogenic variant nor as a benign variant, to our knowledge. This variant is present with an allele frequency of 0.009% in gnomAD Exomes. This variant has not been submitted to the ClinVar database. The amino acid change p.Lys513Asn in SLC26A5 is predicted as conserved by GERP++ and PhyloP across 100 vertebrates. The amino acid Lys at position 513 is changed to a Asn changing protein sequence and it might alter its composition and physico-chemical properties. For these reasons, this variant has been classified as Variant of Uncertain Significance (VUS).

NM_198999.3(SLC26A5):c.1539G>T (p.Lys513Asn)

Gene: SLC26A5 (solute carrier family 26 member 5; minus strand). Cytogenetic location: 7q22.1.
Variant type: single nucleotide variant.
Coding change: c.1539G>T on transcript NM_198999.3 (MANE Select); coding-DNA position 1539, G replaced by T.
Protein change: p.Lys513Asn; replaces lysine 513 with asparagine.
Molecular consequence: missense variant. On other transcripts: non-coding transcript variant (1), intron variant (2).
Genome position (GRCh38, 1-based): chr7:103,380,525, C>A on the plus strand (G>T on the coding strand, the complement: SLC26A5 is on the minus strand). VCF-style: chr7-103380525-C-A. GRCh37 (hg19) VCF-style: chr7-103020972-C-A.
Other names: c.1539G>T (NM_198999.2); c.1443G>T, p.Lys481Asn (NM_001167962.2, NM_001321787.2); c.1539G>T, p.Lys513Asn (NM_206883.3); c.971+17407G>T (NM_206885.3); c.1514+8483G>T (NM_206884.3); short protein forms K481N, K513N.
Identifiers: ClinVar variation 3250440 (VCV003250440.2), dbSNP rs566208291.